The following is an entry in ClinVar:

ClinVar aggregate classification (germline): Uncertain significance. Review status: criteria provided, multiple submitters, no conflicts (2 of 4 stars). 2 submissions from 2 submitters: Uncertain significance (2). Last evaluated 2026-06-26.

Conditions:
Juvenile polyposis syndrome (JPS). Identifiers: Orphanet 2929, MedGen C0345893, MONDO:0017380, OMIM 174900.
Hereditary cancer-predisposing syndrome. Also called: Tumor predisposition; Neoplastic Syndromes, Hereditary; Hereditary Cancer Syndrome; Hereditary neoplastic syndrome. Identifiers: Orphanet 140162, MedGen C0027672, MeSH D009386, MONDO:0015356.
Familial thoracic aortic aneurysm and aortic dissection (TAAD). Also called: Thoracic aortic aneurysms and dissections. Identifiers: Orphanet 91387, MedGen C4707243, MONDO:0019625.

Submissions (2):

Ambry Genetics
Classification: Uncertain significance for Hereditary cancer-predisposing syndrome; Familial thoracic aortic aneurysm and aortic dissection. Last evaluated: 2026-06-26. Review status: criteria provided, single submitter. Criteria: Ambry Variant Classification Scheme 2023. Collection method: clinical testing. Allele origin: germline.
Comment: The p.V475L variant (also known as c.1423G>C), located in coding exon 10 of the SMAD4 gene, results from a G to C substitution at nucleotide position 1423. The valine at codon 475 is replaced by leucine, an amino acid with highly similar properties. This amino acid position is conserved. In addition, this alteration is predicted to be deleterious by in silico analysis. Based on the available evidence, the clinical significance of this variant remains unclear.

Labcorp Genetics (formerly Invitae), Labcorp
Classification: Uncertain significance for Juvenile polyposis syndrome. Last evaluated: 2015-09-13. Review status: criteria provided, single submitter. Criteria: Invitae Variant Classification Sherloc (09022015). Collection method: clinical testing. Allele origin: germline.
Comment: This variant is not present in population databases and has not been reported in the literature. In summary, this is a novel missense change that is not predicted to affect protein function or cause disease. However the evidence is insufficient at this time to prove that conclusively. It has been classified as a Variant of Uncertain Significance. Algorithms developed to predict the effect of missense changes on protein structure and function (SIFT, PolyPhen-2, Align-GVGD) all suggest that this variant is likely to be tolerated, but these predictions have not been confirmed by published functional studies. This sequence change replaces valine with leucine at codon 475 of the SMAD4 protein (p.Val475Leu). The valine residue is highly conserved and there is a small physicochemical difference between valine and leucine.

NM_005359.6(SMAD4):c.1423G>C (p.Val475Leu)

Gene: SMAD4 (SMAD family member 4; plus strand). Cytogenetic location: 18q21.2.
Variant type: single nucleotide variant.
Coding change: c.1423G>C on transcript NM_005359.6 (MANE Select); coding-DNA position 1423, G replaced by C.
Protein change: p.Val475Leu; replaces valine 475 with leucine.
Molecular consequence: missense variant.
Genome position (GRCh38, 1-based): chr18:51,076,752, G>C. VCF-style: chr18-51076752-G-C. GRCh37 (hg19) VCF-style: chr18-48603122-G-C.
Other names: short protein forms V475L.
Identifiers: ClinVar variation 220224 (VCV000220224.9), dbSNP rs864622428, ClinGen allele CA349715.